The following is an entry in ClinVar:

NM_000268.4(NF2):c.1706G>T (p.Gly569Val)

Gene: NF2 (NF2, moesin-ezrin-radixin like (MERLIN) tumor suppressor; plus strand). Cytogenetic location: 22q12.2.
Variant type: single nucleotide variant.
Coding change: c.1706G>T on transcript NM_000268.4 (MANE Select); coding-DNA position 1706, G replaced by T.
Protein change: p.Gly569Val; replaces glycine 569 with valine.
Molecular consequence: missense variant. On other transcripts: non-coding transcript variant (1), intron variant (1).
Genome position (GRCh38, 1-based): chr22:29,681,570, G>T. VCF-style: chr22-29681570-G-T. GRCh37 (hg19) VCF-style: chr22-30077559-G-T.
Other names: c.1706G>T, p.Gly569Val (NM_016418.5, NM_181825.3, NM_181832.3); c.1706G>T (NM_000268.3); c.1580G>T, p.Gly527Val (NM_181828.3); c.1583G>T, p.Gly528Val (NM_181829.3); c.1457G>T, p.Gly486Val (NM_181830.3, NM_181831.3); c.448-13182G>T (NM_181833.3); short protein forms G569V, G527V, G528V, G486V.
Identifiers: ClinVar variation 1379412 (VCV001379412.7), dbSNP rs781488145, ClinGen allele CA411150430.
Genomic context (GRCh38, chr22:29,681,570, plus strand): 5'-TGAAACTGAAAGAGAGGGAGACAGCTCTGGATATTCTGCACAATGAGAACTCCGACAGGG[G>T]TGGCAGCAGCAAGCACAATACCATTAAAAAGGTACCCAGGGTCTCTTTCTTGTATTTTGC-3'
Protein context (NP_000259.1, residues 559-579): DILHNENSDR[Gly569Val]GSSKHNTIKK

ClinVar aggregate classification (germline): Uncertain significance. Review status: criteria provided, multiple submitters, no conflicts (2 of 4 stars). 2 submissions from 2 submitters: Uncertain significance (2). Last evaluated 2025-07-17.

Conditions:
Hereditary cancer-predisposing syndrome. Also called: Tumor predisposition; Neoplastic Syndromes, Hereditary; Hereditary Cancer Syndrome; Hereditary neoplastic syndrome. Identifiers: Orphanet 140162, MedGen C0027672, MeSH D009386, MONDO:0015356.
Neurofibromatosis, type 2 (SWNV). Also called: BILATERAL ACOUSTIC NEUROFIBROMATOSIS; NF2-Related Schwannomatosis; SCHWANNOMATOSIS, VESTIBULAR. Identifiers: Orphanet 637, MedGen C0027832, MONDO:0007039, OMIM 101000. Disease mechanism: loss of function.

Submissions (2):

Ambry Genetics
Classification: Uncertain significance for Hereditary cancer-predisposing syndrome. Last evaluated: 2025-07-17. Review status: criteria provided, single submitter. Criteria: Ambry Variant Classification Scheme 2023. Collection method: clinical testing. Allele origin: germline.
Comment: The p.G569V variant (also known as c.1706G>T), located in coding exon 15 of the NF2 gene, results from a G to T substitution at nucleotide position 1706. The glycine at codon 569 is replaced by valine, an amino acid with dissimilar properties. This amino acid position is conserved. In addition, the in silico prediction for this alteration is inconclusive. Based on the available evidence, the clinical significance of this variant remains unclear.

Labcorp Genetics (formerly Invitae), Labcorp
Classification: Uncertain significance for Neurofibromatosis, type 2. Last evaluated: 2021-09-03. Review status: criteria provided, single submitter. Criteria: Invitae Variant Classification Sherloc (09022015). Collection method: clinical testing. Allele origin: germline.
Comment: This sequence change replaces glycine with valine at codon 569 of the NF2 protein (p.Gly569Val). The glycine residue is highly conserved and there is a moderate physicochemical difference between glycine and valine. This variant is not present in population databases (ExAC no frequency). This variant has not been reported in the literature in individuals affected with NF2-related conditions. Algorithms developed to predict the effect of missense changes on protein structure and function are either unavailable or do not agree on the potential impact of this missense change (SIFT: "Deleterious"; PolyPhen-2: "Possibly Damaging"; Align-GVGD: "Class C0"). Algorithms developed to predict the effect of sequence changes on RNA splicing suggest that this variant may create or strengthen a splice site. In summary, the available evidence is currently insufficient to determine the role of this variant in disease. Therefore, it has been classified as a Variant of Uncertain Significance.